The following is an entry in ClinVar:

ClinVar aggregate classification (germline): Conflicting classifications of pathogenicity. Review status: criteria provided, conflicting classifications (1 of 4 stars). 6 submissions from 4 submitters: Uncertain significance (3); Likely benign (2). 1 of the submissions does not count toward it. Last evaluated 2024-04-05.

Conditions:
Familial Mediterranean fever, autosomal dominant. Also called: FMF, AUTOSOMAL DOMINANT; Dominant Familial Mediterranean Fever. Identifiers: Orphanet 342, MedGen C1851347, MONDO:0007601, OMIM 134610.
Familial Mediterranean fever (FMF). Also called: POLYSEROSITIS, FAMILIAL PAROXYSMAL; POLYSEROSITIS, RECURRENT; Periodic peritonitis; Benign paroxysmal peritonitis. Identifiers: Orphanet 342, MedGen C0031069, MONDO:0018088, OMIM 249100. Disease mechanism: gain of function.
Acute febrile neutrophilic dermatosis (AFND). Also called: Sweet Syndrome; Gomm Button disease. Identifiers: Orphanet 3243, MedGen C0085077, MONDO:0011959, OMIM 608068.

gnomAD v4.1: 3 of 1,555,030 alleles (0.00019%); highest among the groups gnomAD compares: Non-Finnish European, 0.00026%; no homozygotes.

Submissions (6):

Fulgent Genetics
Classification: Uncertain significance for Familial Mediterranean fever, autosomal dominant; Familial Mediterranean fever; Acute febrile neutrophilic dermatosis. Last evaluated: 2024-04-05. Review status: criteria provided, single submitter. Criteria: ACMG Guidelines, 2015. Collection method: clinical testing. Allele origin: germline.

Genome-Nilou Lab
Classification: Uncertain significance for Familial Mediterranean fever. Last evaluated: 2023-02-08. Review status: criteria provided, single submitter. Criteria: ACMG Guidelines, 2015. Collection method: clinical testing. Allele origin: germline.

Genome-Nilou Lab
Classification: Likely benign for Familial Mediterranean fever, autosomal dominant. Last evaluated: 2023-02-08. Review status: criteria provided, single submitter. Criteria: ACMG Guidelines, 2015. Collection method: clinical testing. Allele origin: germline.

Genome-Nilou Lab
Classification: Likely benign for Acute febrile neutrophilic dermatosis. Last evaluated: 2023-02-08. Review status: criteria provided, single submitter. Criteria: ACMG Guidelines, 2015. Collection method: clinical testing. Allele origin: germline.

GeneDx
Classification: Uncertain significance. Last evaluated: 2017-07-10. Review status: criteria provided, single submitter. Criteria: GeneDx Variant Classification (06012015). Collection method: clinical testing. Allele origin: germline. Affected: yes.
Comment: The R178W variant in the MEFV gene has not been reported previously as a pathogenic variant, nor as a benign variant, to our knowledge. This variant is not observed in large population cohorts (Lek et al., 2016). The R178W variant is a non-conservative amino acid substitution, which is likely to impact secondary protein structure as these residues differ in polarity, charge, size and/or other properties. However, this substitution occurs at a position that is not conserved across species, and in silico analysis is inconsistent in its predictions as to whether or not the variant is damaging to the protein structure/function. Missense variants in nearby residues (T177I, S179I, P180R) have been reported in the Human Gene Mutation Database in association with familial Mediterranean fever (Stenson et al., 2014), supporting the functional importance of this region of the protein. We interpret R178W as a variant of uncertain significance.

Natera, Inc.
Classification: Uncertain significance for Familial Mediterranean fever. Last evaluated: 2021-08-26. Review status: no assertion criteria provided. Collection method: clinical testing. Allele origin: germline. Not counted in ClinVar's aggregate classification.

NM_000243.3(MEFV):c.532C>T (p.Arg178Trp)

Gene: MEFV (MEFV innate immunity regulator, pyrin; minus strand). Cytogenetic location: 16p13.3.
Variant type: single nucleotide variant.
Coding change: c.532C>T on transcript NM_000243.3 (MANE Select); coding-DNA position 532, C replaced by T.
Protein change: p.Arg178Trp; replaces arginine 178 with tryptophan.
Molecular consequence: missense variant. On other transcripts: intron variant (1).
Genome position (GRCh38, 1-based): chr16:3,254,536, G>A on the plus strand (C>T on the coding strand, the complement: MEFV is on the minus strand). VCF-style: chr16-3254536-G-A. GRCh37 (hg19) VCF-style: chr16-3304536-G-A.
Other names: c.277+1775C>T (NM_001198536.2); short protein forms R178W.
Identifiers: ClinVar variation 450323 (VCV000450323.6), dbSNP rs1555459404, ClinGen allele CA394480937.